The following is an entry in ClinVar:

ClinVar aggregate classification (germline): Uncertain significance (1 of 4 stars; one submission).

Conditions:
Familial meningioma. Also called: Meningioma, familial, susceptibility to. Identifiers: Orphanet 263662, MedGen C3551915, MONDO:0011789, OMIM 607174.

Submission:

Labcorp Genetics (formerly Invitae), Labcorp
Classification: Uncertain significance for Familial meningioma. Last evaluated: 2021-11-02. Review status: criteria provided, single submitter. Criteria: Invitae Variant Classification Sherloc (09022015). Collection method: clinical testing. Allele origin: germline.
Comment: In summary, the available evidence is currently insufficient to determine the role of this variant in disease. Therefore, it has been classified as a Variant of Uncertain Significance. Algorithms developed to predict the effect of missense changes on protein structure and function (SIFT, PolyPhen-2, Align-GVGD) all suggest that this variant is likely to be tolerated. This variant has not been reported in the literature in individuals affected with SMARCE1-related conditions. This variant is not present in population databases (gnomAD no frequency). This sequence change replaces threonine, which is neutral and polar, with alanine, which is neutral and non-polar, at codon 361 of the SMARCE1 protein (p.Thr361Ala).

NM_003079.5(SMARCE1):c.1081A>G (p.Thr361Ala)

Gene: SMARCE1 (SWI/SNF related BAF chromatin remodeling complex subunit E1; minus strand). Cytogenetic location: 17q21.2.
Variant type: single nucleotide variant.
Coding change: c.1081A>G on transcript NM_003079.5 (MANE Select); coding-DNA position 1081, A replaced by G.
Protein change: p.Thr361Ala; replaces threonine 361 with alanine.
Molecular consequence: missense variant.
Genome position (GRCh38, 1-based): chr17:40,628,940, T>C on the plus strand (A>G on the coding strand, the complement: SMARCE1 is on the minus strand). VCF-style: chr17-40628940-T-C. GRCh37 (hg19) VCF-style: chr17-38785192-T-C.
Other names: short protein forms T361A.
Identifiers: ClinVar variation 1515367 (VCV001515367.6), dbSNP rs2143980763, ClinGen allele CA399361522.